The following is an entry in ClinVar:

ClinVar aggregate classification (germline): Uncertain significance (1 of 4 stars; one submission).

Conditions:
Ichthyosis linearis circumflexa. Identifiers: MedGen C0265962, MONDO:0043106, HP:0025810.

gnomAD v4.1: 1 of 1,613,258 alleles (0.000062%); no homozygotes.

Submission:

Labcorp Genetics (formerly Invitae), Labcorp
Classification: Uncertain significance for Ichthyosis linearis circumflexa. Last evaluated: 2025-04-07. Review status: criteria provided, single submitter. Criteria: Invitae Variant Classification Sherloc (09022015). Collection method: clinical testing. Allele origin: germline.
Comment: This sequence change replaces glycine, which is neutral and non-polar, with glutamic acid, which is acidic and polar, at codon 393 of the SPINK5 protein (p.Gly393Glu). This variant is not present in population databases (gnomAD no frequency). This variant has not been reported in the literature in individuals affected with SPINK5-related conditions. ClinVar contains an entry for this variant (Variation ID: 1488618). Invitae Evidence Modeling of protein sequence and biophysical properties (such as structural, functional, and spatial information, amino acid conservation, physicochemical variation, residue mobility, and thermodynamic stability) has been performed for this missense variant. However, the output from this modeling did not meet the statistical confidence thresholds required to predict the impact of this variant on SPINK5 protein function. In summary, the available evidence is currently insufficient to determine the role of this variant in disease. Therefore, it has been classified as a Variant of Uncertain Significance.

NM_006846.4(SPINK5):c.1178G>A (p.Gly393Glu)

Gene: SPINK5 (serine peptidase inhibitor Kazal type 5; plus strand). Cytogenetic location: 5q32.
Variant type: single nucleotide variant.
Coding change: c.1178G>A on transcript NM_006846.4 (MANE Select); coding-DNA position 1178, G replaced by A.
Protein change: p.Gly393Glu; replaces glycine 393 with glutamic acid.
Molecular consequence: missense variant.
Genome position (GRCh38, 1-based): chr5:148,100,539, G>A. VCF-style: chr5-148100539-G-A. GRCh37 (hg19) VCF-style: chr5-147480102-G-A.
Other names: c.1178G>A, p.Gly393Glu (NM_001127698.2, NM_001127699.2); short protein forms G393E.
Identifiers: ClinVar variation 1488618 (VCV001488618.6), dbSNP rs2113116860, ClinGen allele CA361636726.